The following is an entry in ClinVar:

NC_000009.11:g.(?_6533007)_(6558694_?)del

Gene: GLDC (glycine decarboxylase; minus strand). Cytogenetic location: 9p24.1.
Variant type: Deletion.
Identifiers: ClinVar variation 2422515 (VCV002422515.7).

ClinVar aggregate classification (germline): Pathogenic (1 of 4 stars; one submission).

Conditions:
Glycine encephalopathy. Also called: Nonketotic hyperglycinemia; Non-ketotic hyperglycinemia. Identifiers: Orphanet 407, MedGen C0751748, MONDO:0011612, HP:0008288.

Submission:

Labcorp Genetics (formerly Invitae), Labcorp
Classification: Pathogenic for Glycine encephalopathy. Last evaluated: 2022-02-22. Review status: criteria provided, single submitter. Criteria: Invitae Variant Classification Sherloc (09022015). Collection method: clinical testing. Allele origin: germline.
Comment: For these reasons, this variant has been classified as Pathogenic. This variant disrupts a region of the GLDC protein in which other variant(s) (p.Thr830Met) have been determined to be pathogenic (PMID: 27362913; Invitae). This suggests that this is a clinically significant region of the protein, and that variants that disrupt it are likely to be disease-causing. This variant has not been reported in the literature in individuals affected with GLDC-related conditions. This variant is a gross deletion of the genomic region encompassing exon(s) 17-25 of the GLDC gene, which includes the termination codon. This deletion extends beyond the assayed region for this gene and therefore may encompass additional genes. While this deletion is not anticipated to lead to nonsense mediated decay, it is expected to alter mRNA translation or result in a truncated protein product.

Literature cited by the submitters: PubMed 27362913.